The following is an entry in ClinVar:

ClinVar aggregate classification (germline): Likely benign. Review status: reviewed by expert panel (3 of 4 stars). 3 submissions from 3 submitters: Likely benign (1). 2 of the submissions do not count toward it. Last evaluated 2017-06-29.

Conditions:
Hereditary breast ovarian cancer syndrome. Also called: Hereditary breast and ovarian cancer syndrome (HBOC); BRCA1- and BRCA2-Associated Hereditary Breast and Ovarian Cancer; Hereditary breast and/or ovarian cancer syndrome; Hereditary breast and ovarian cancer syndrome; Hereditary breast and ovarian cancer; Breast and ovarian cancer. Identifiers: Orphanet 145, MedGen C0677776, MeSH D061325, MONDO:0003582. Disease mechanism: loss of function.
Hereditary cancer-predisposing syndrome. Also called: Neoplastic Syndromes, Hereditary; Hereditary neoplastic syndrome; Tumor predisposition; Hereditary Cancer Syndrome. Identifiers: Orphanet 140162, MedGen C0027672, MeSH D009386, MONDO:0015356.
Breast-ovarian cancer, familial, susceptibility to, 1 (BROVCA1). Also called: BRCA1 Hereditary Breast and Ovarian Cancer; OVARIAN CANCER, SUSCEPTIBILITY TO. Identifiers: Orphanet 145, MedGen C2676676, MONDO:0011450, OMIM 604370. Disease mechanism: loss of function.

Submissions (4):

Evidence-based Network for the Interpretation of Germline Mutant Alleles (ENIGMA)
Classification: Likely benign for Breast-ovarian cancer, familial, susceptibility to, 1. Last evaluated: 2017-06-29. Review status: reviewed by expert panel. Criteria: ENIGMA BRCA1/2 Classification Criteria (2017-06-29). Collection method: curation. Allele origin: germline.
Comment: Synonymous substitution variant, with low bioinformatic likelihood to result in a splicing aberration (Splicing prior probability 0.02).

Ambry Genetics
Classification: Likely benign for Hereditary cancer-predisposing syndrome. Last evaluated: 2024-05-15. Review status: criteria provided, single submitter. Criteria: Ambry Variant Classification Scheme 2023. Collection method: clinical testing. Allele origin: germline. Not counted in ClinVar's aggregate classification.

Labcorp Genetics (formerly Invitae), Labcorp
Classification: Likely benign for Hereditary breast ovarian cancer syndrome. Last evaluated: 2022-05-19. Review status: criteria provided, single submitter. Criteria: Invitae Variant Classification Sherloc (09022015). Collection method: clinical testing. Allele origin: germline. Not counted in ClinVar's aggregate classification.

Brotman Baty Institute, University of Washington
No classification provided (evidence only). Condition: Breast-ovarian cancer, familial 1. Review status: no classification provided. Collection method: in vitro. Allele origin: not applicable. Functional consequence: functionally_normal. Not counted in ClinVar's aggregate classification.
ClinVar note: "not provided" was previously submitted as the classification for the variant. However, the classification appeared to be based only on an observation of functional data so it was converted to no classification on 2025-07-30.

NM_007294.4(BRCA1):c.291A>G (p.Thr97=)

Gene: BRCA1 (BRCA1 DNA repair associated; minus strand). Cytogenetic location: 17q21.31.
Variant type: single nucleotide variant.
Coding change: c.291A>G on transcript NM_007294.4 (MANE Select); coding-DNA position 291, A replaced by G.
Protein change: p.Thr97=; no amino-acid change (threonine 97 retained).
Molecular consequence: synonymous variant. On other transcripts: 5 prime UTR variant (7), intron variant (2).
Genome position (GRCh38, 1-based): chr17:43,104,878, T>C on the plus strand (A>G on the coding strand, the complement: BRCA1 is on the minus strand). VCF-style: chr17-43104878-T-C. GRCh37 (hg19) VCF-style: chr17-41256895-T-C.
Other names: c.291A>G, p.Thr97= (NM_001407612.1, NM_001407613.1, NM_001407614.1 and 168 more transcripts); c.213A>G, p.Thr71= (NM_001407653.1, NM_001407654.1, NM_001407655.1 and 21 more transcripts); c.150A>G, p.Thr50= (NM_001407692.1, NM_001407694.1, NM_001407695.1 and 99 more transcripts); c.81A>G, p.Thr27= (NM_001407853.1, NM_001407879.1, NM_001407881.1 and 58 more transcripts); c.-91A>G (NM_001407959.1, NM_001407960.1, NM_001407962.1 and 4 more transcripts); c.159A>G, p.Thr53= (NM_001408451.1); c.-218-10018A>G (NM_001407967.1, NM_001407966.1).
Identifiers: ClinVar variation 427275 (VCV000427275.20), dbSNP rs1131692085, ClinGen allele CA500127462.